The following is an entry in ClinVar:

ClinVar aggregate classification (germline): Uncertain significance (1 of 4 stars; one submission).

Submission:

Labcorp Genetics (formerly Invitae), Labcorp
Classification: Uncertain significance. Last evaluated: 2022-07-12. Review status: criteria provided, single submitter. Criteria: Invitae Variant Classification Sherloc (09022015). Collection method: clinical testing. Allele origin: germline.
Comment: This variant is not present in population databases (gnomAD no frequency). In summary, the available evidence is currently insufficient to determine the role of this variant in disease. Therefore, it has been classified as a Variant of Uncertain Significance. Advanced modeling of protein sequence and biophysical properties (such as structural, functional, and spatial information, amino acid conservation, physicochemical variation, residue mobility, and thermodynamic stability) performed at Invitae indicates that this missense variant is not expected to disrupt PCYT1A protein function. This variant has not been reported in the literature in individuals affected with PCYT1A-related conditions. This sequence change replaces threonine, which is neutral and polar, with alanine, which is neutral and non-polar, at codon 342 of the PCYT1A protein (p.Thr342Ala).

NM_001312673.2(PCYT1A):c.1024A>G (p.Thr342Ala)

Gene: PCYT1A (phosphate cytidylyltransferase 1A, choline; minus strand). Cytogenetic location: 3q29.
Variant type: single nucleotide variant.
Coding change: c.1024A>G on transcript NM_001312673.2 (MANE Select); coding-DNA position 1024, A replaced by G.
Protein change: p.Thr342Ala; replaces threonine 342 with alanine.
Molecular consequence: missense variant.
Genome position (GRCh38, 1-based): chr3:196,238,768, T>C on the plus strand (A>G on the coding strand, the complement: PCYT1A is on the minus strand). VCF-style: chr3-196238768-T-C. GRCh37 (hg19) VCF-style: chr3-195965639-T-C.
Other names: c.1024A>G, p.Thr342Ala (NM_005017.4); short protein forms T342A.
Identifiers: ClinVar variation 1960215 (VCV001960215.5), dbSNP rs1724255783, ClinGen allele CA355607829.